The following is an entry in ClinVar:

NM_201384.3(PLEC):c.5065C>G (p.Leu1689Val)

Gene: PLEC (plectin; minus strand). Cytogenetic location: 8q24.3.
Variant type: single nucleotide variant.
Coding change: c.5065C>G on transcript NM_201384.3 (MANE Select); coding-DNA position 5065, C replaced by G.
Protein change: p.Leu1689Val; replaces leucine 1689 with valine.
Molecular consequence: missense variant. On other transcripts: intron variant (1).
Genome position (GRCh38, 1-based): chr8:143,924,864, G>C on the plus strand (C>G on the coding strand, the complement: PLEC is on the minus strand). VCF-style: chr8-143924864-G-C. GRCh37 (hg19) VCF-style: chr8-144999032-G-C.
Other names: c.5146C>G, p.Leu1716Val (NM_000445.5); c.5023C>G, p.Leu1675Val (NM_201378.4); c.4999C>G, p.Leu1667Val (NM_201379.3); c.5476C>G, p.Leu1826Val (NM_201380.4); c.4969C>G, p.Leu1657Val (NM_201381.3); c.5065C>G, p.Leu1689Val (NM_201382.4); c.5077C>G, p.Leu1693Val (NM_201383.3); c.4125+1920C>G (NM_001410941.1); short protein forms L1657V, L1667V, L1675V, L1689V, L1693V, L1716V, L1826V.
Identifiers: ClinVar variation 3763615 (VCV003763615.2).
Genomic context (GRCh38, chr8:143,924,864, plus strand): 5'-GGCGCTGCTGCGCGGTGCCTTCCGCCAGCTGCCGCTGCTTCTCCAGCTCTTGTTCAGCCA[G>C]CTCCCGCTGCCGGACGGCCTGCTCCTCCGCCTTGCCGCGCCGCCGCGCCTCGCGCTCCGC-3'
Protein context (NP_958786.1, residues 1679-1699): AEEQAVRQRE[Leu1689Val]AEQELEKQRQ

ClinVar aggregate classification (germline): Uncertain significance (1 of 4 stars; one submission).

Conditions:
Epidermolysis bullosa simplex with nail dystrophy (EBS5D). Identifiers: MedGen C4225309, MONDO:0014661, OMIM 616487.
Epidermolysis bullosa simplex, Ogna type (EBS5A). Also called: EPIDERMOLYSIS BULLOSA SIMPLEX 5A, OGNA TYPE; Pidermolysis bullosa simplex 5A, Ogna type. Identifiers: Orphanet 79401, MedGen C0432317, MONDO:0007555, OMIM 131950.
Autosomal recessive limb-girdle muscular dystrophy type 2Q (LGMDR17). Also called: MUSCULAR DYSTROPHY, LIMB-GIRDLE, AUTOSOMAL RECESSIVE 17. Identifiers: Orphanet 254361, MedGen C3150989, MONDO:0013390, OMIM 613723.
Epidermolysis bullosa simplex 5B, with muscular dystrophy (EBS5B). Also called: EPIDERMOLYSIS BULLOSA SIMPLEX AND LIMB-GIRDLE MUSCULAR DYSTROPHY; Epidermolysis bullosa simplex with muscular dystrophy. Identifiers: Orphanet 257, MedGen C2931072, MONDO:0009181, OMIM 226670.
Epidermolysis bullosa simplex 5C, with pyloric atresia (EBS5C). Also called: PLEC1-Related Epidermolysis Bullosa with Pyloric Atresia; PLEC-Related Epidermolysis Bullosa with Pyloric Atresia; Epidermolysis bullosa simplex with pyloric atresia. Identifiers: Orphanet 158684, MedGen C2677349, MONDO:0012807, OMIM 612138.

gnomAD v4.1: 2 of 1,587,792 alleles (0.00013%); highest among the groups gnomAD compares: Non-Finnish European, 0.00017%; no homozygotes.

Submission:

Labcorp Genetics (formerly Invitae), Labcorp
Classification: Uncertain significance for Autosomal recessive limb-girdle muscular dystrophy type 2Q; Epidermolysis bullosa simplex, Ogna type; Epidermolysis bullosa simplex with nail dystrophy; Epidermolysis bullosa simplex 5C, with pyloric atresia; Epidermolysis bullosa simplex 5B, with muscular dystrophy. Last evaluated: 2024-08-05. Review status: criteria provided, single submitter. Criteria: Invitae Variant Classification Sherloc (09022015). Collection method: clinical testing. Allele origin: germline.
Comment: This sequence change replaces leucine, which is neutral and non-polar, with valine, which is neutral and non-polar, at codon 1716 of the PLEC protein (p.Leu1716Val). This variant is present in population databases (no rsID available, gnomAD 0.001%). This variant has not been reported in the literature in individuals affected with PLEC-related conditions. Advanced modeling of protein sequence and biophysical properties (such as structural, functional, and spatial information, amino acid conservation, physicochemical variation, residue mobility, and thermodynamic stability) performed at Invitae indicates that this missense variant is not expected to disrupt PLEC protein function with a negative predictive value of 80%. In summary, the available evidence is currently insufficient to determine the role of this variant in disease. Therefore, it has been classified as a Variant of Uncertain Significance.